The following is an entry in ClinVar:

NM_170707.4(LMNA):c.3G>T (p.Met1Ile)

Gene: LMNA (lamin A/C; plus strand). Cytogenetic location: 1q22.
Variant type: single nucleotide variant.
Coding change: c.3G>T on transcript NM_170707.4 (MANE Select); coding-DNA position 3, G replaced by T.
Protein change: p.Met1Ile; changes the start codon (methionine 1).
Molecular consequence: missense variant, initiator codon variant.
Genome position (GRCh38, 1-based): chr1:156,114,921, G>T. VCF-style: chr1-156114921-G-T. GRCh37 (hg19) VCF-style: chr1-156084712-G-T.
Other names: p.M1I:ATG>ATT; c.3G>T, p.Met1Ile (NM_001282625.2, NM_001282626.2, NM_005572.4 and 1 more transcripts); short protein forms M1I.
Identifiers: ClinVar variation 200949 (VCV000200949.11), dbSNP rs794728598, ClinGen allele CA018051.

ClinVar aggregate classification (germline): Pathogenic/Likely pathogenic. Review status: criteria provided, multiple submitters, no conflicts (2 of 4 stars). 3 submissions from 3 submitters: Pathogenic (2); Likely pathogenic (1). Last evaluated 2022-04-15.

Conditions:
Charcot-Marie-Tooth disease type 2. Also called: Charcot-Marie-Tooth type 2. Identifiers: Orphanet 64746, MedGen C0270914, MONDO:0018993.

Submissions (3):

Labcorp Genetics (formerly Invitae), Labcorp
Classification: Pathogenic for Charcot-Marie-Tooth disease type 2. Last evaluated: 2022-04-15. Review status: criteria provided, single submitter. Criteria: Invitae Variant Classification Sherloc (09022015). Collection method: clinical testing. Allele origin: germline.
Comment: For these reasons, this variant has been classified as Pathogenic. This variant disrupts a region of the LMNA protein in which other variant(s) (p.Lys32del, p.Asn39Ser, p.Glu82Lys) have been determined to be pathogenic (PMID: 17377071, 18551513, 20980393, 21632249). This suggests that this is a clinically significant region of the protein, and that variants that disrupt it are likely to be disease-causing. ClinVar contains an entry for this variant (Variation ID: 200949). Disruption of the initiator codon has been observed in individual(s) with autosomal dominant LMNA-related conditions (PMID: 29211919). This variant is not present in population databases (gnomAD no frequency). This sequence change affects the initiator methionine of the LMNA mRNA. The next in-frame methionine is located at codon 187.

GeneDx
Classification: Pathogenic. Last evaluated: 2017-04-28. Review status: criteria provided, single submitter. Criteria: GeneDx Variant Classification (06012015). Collection method: clinical testing. Allele origin: germline. Affected: yes.
Comment: p.Met1Ile (M1I) ATG>ATT: c.3 G>T in exon 1 of the LMNA gene (NM_170707.2). The c.3 G>T mutation in the LMNA gene has not been reported as a disease-causing mutation or as a benign polymorphism, to our knowledge. This mutation alters the initiator Methionine codon, and the resultant protein would be described as p.Met1?" using a question mark to signify that it is not known if the loss of Met1 means that all protein translation is completely prevented or if an abnormal protein is produced using an alternate Met. Two mutations which affect the Met1 residue have been reported in association with laminopathies (Walter M et al., 2005; van Tintelen et al., 2007). Walter et al. identified a 15bp deletion starting at c.-3 that includes the Met1 codon in a family with symptoms of Emery-Driefuss muscular dystrophy, limb girdle muscular dystrophy with atrioventricular disturbance and dilated cardiomyopathy with conduction defects. van Tintelen et al. identified a deletion of the 5' end of the LMNA gene, including exon 1 and the Met1 codon in a family presenting with severe, early onset myocardial fibrosis. Therefore, the presence of this mutation indicates an increased risk to develop DCM. However, other genetic and environmental factors influence disease expression and severity, and some mutation carriers may never become symptomatic. The variant is found in DCM panel(s)."

Eurofins Ntd Llc (ga)
Classification: Likely pathogenic. Last evaluated: 2016-08-15. Review status: criteria provided, single submitter. Criteria: EGL Classification Definitions 2015. Collection method: clinical testing. Allele origin: germline. Observed: 1 variant allele, 1 heterozygote.

Literature cited by the submitters: PubMed 17377071 (cited by Labcorp Genetics (formerly Invitae), Labcorp); PubMed 18551513 (cited by Labcorp Genetics (formerly Invitae), Labcorp); PubMed 20980393 (cited by Labcorp Genetics (formerly Invitae), Labcorp); PubMed 21632249 (cited by Labcorp Genetics (formerly Invitae), Labcorp); PubMed 29211919 (cited by Labcorp Genetics (formerly Invitae), Labcorp).